The following is an entry in ClinVar:

ClinVar aggregate classification (germline): Uncertain significance (1 of 4 stars; one submission).

Conditions:
Malignant hyperthermia, susceptibility to, 5 (MHS5). Also called: CACNA1S-Related Malignant Hyperthermia Susceptibility. Identifiers: Orphanet 423, MedGen C1866077, MONDO:0011163, OMIM 601887.

gnomAD v4.1: 6 of 1,614,192 alleles (0.00037%); highest among the groups gnomAD compares: African/African-American, 0.0013%; no homozygotes.

Submission:

Color Diagnostics, LLC DBA Color Health
Classification: Uncertain significance for Malignant hyperthermia, susceptibility to, 5. Last evaluated: 2025-07-17. Review status: criteria provided, single submitter. Criteria: ACMG Guidelines, 2015. Collection method: clinical testing. Allele origin: germline.
Comment: This missense variant replaces glycine with arginine at codon 1347 of the CACNA1S protein. Computational prediction suggests that this variant may have deleterious impact on protein structure and function. To our knowledge, functional studies have not been reported for this variant. This variant has not been reported in individuals affected with CACNA1S-related disorders in the literature. This variant has not been identified in the general population by the Genome Aggregation Database (gnomAD). The available evidence is insufficient to determine the role of this variant in disease conclusively. Therefore, this variant is classified as a Variant of Uncertain Significance.

NM_000069.3(CACNA1S):c.4039G>A (p.Gly1347Arg)

Gene: CACNA1S (calcium voltage-gated channel subunit alpha1 S; minus strand). Cytogenetic location: 1q32.1.
Variant type: single nucleotide variant.
Coding change: c.4039G>A on transcript NM_000069.3 (MANE Select); coding-DNA position 4039, G replaced by A.
Protein change: p.Gly1347Arg; replaces glycine 1347 with arginine.
Molecular consequence: missense variant.
Genome position (GRCh38, 1-based): chr1:201,051,058, C>T on the plus strand (G>A on the coding strand, the complement: CACNA1S is on the minus strand). VCF-style: chr1-201051058-C-T. GRCh37 (hg19) VCF-style: chr1-201020186-C-T.
Other names: short protein forms G1347R.
Identifiers: ClinVar variation 4759067 (VCV004759067.1).
Genomic context (GRCh38, chr1:201,051,058, plus strand): 5'-GCATGTAGAAGCTGATGAAGTAGTAGTATGCAAAGTTGGTGCCACATGTGTACTCCTCCC[C>T]TGGGGCATAGTCCGACTCTGGGTCACACAGCTTCCCATAGCTGCAGGCCAGTAGGATCTC-3'
Protein context (NP_000060.2, residues 1337-1357): LCDPESDYAP[Gly1347Arg]EEYTCGTNFA